The following is an entry in ClinVar:

ClinVar aggregate classification (germline): Conflicting classifications of pathogenicity. Review status: criteria provided, conflicting classifications (1 of 4 stars). 2 submissions from 2 submitters: Uncertain significance (1); Likely benign (1). Last evaluated 2026-07-01.

gnomAD v4.1: 114 of 1,613,762 alleles (0.0071%); highest among the groups gnomAD compares: Non-Finnish European, 0.0084%; no homozygotes.

Submissions (2):

CeGaT Center for Human Genetics Tuebingen
Classification: Likely benign. Last evaluated: 2026-07-01. Review status: criteria provided, single submitter. Criteria: CeGaT Center For Human Genetics Tuebingen Variant Classification Criteria Version 2. Collection method: clinical testing. Allele origin: germline. Affected: yes. Observed: 1 variant allele.
Comment: DDR2: BP4

ARUP Laboratories, Molecular Genetics and Genomics, ARUP Laboratories
Classification: Uncertain significance. Last evaluated: 2023-12-18. Review status: criteria provided, single submitter. Criteria: ARUP Molecular Germline Variant Investigation Process 2024. Collection method: clinical testing. Allele origin: germline.
Comment: The DDR2 c.2039G>T; p.Arg680Leu variant (rs765562219), to our knowledge, is not reported in the medical literature or gene specific databases. This variant is only observed on three alleles in the Genome Aggregation Database (v2.1.1), indicating it is not a common polymorphism. Computational analyses are uncertain whether this variant is neutral or deleterious (REVEL: 0.237). Due to limited information, the clinical significance of this variant is uncertain at this time.

NM_006182.4(DDR2):c.2039G>T (p.Arg680Leu)

Gene: DDR2 (discoidin domain receptor tyrosine kinase 2; plus strand). Cytogenetic location: 1q23.3.
Variant type: single nucleotide variant.
Coding change: c.2039G>T on transcript NM_006182.4 (MANE Select); coding-DNA position 2039, G replaced by T.
Protein change: p.Arg680Leu; replaces arginine 680 with leucine.
Molecular consequence: missense variant.
Genome position (GRCh38, 1-based): chr1:162,775,834, G>T. VCF-style: chr1-162775834-G-T. GRCh37 (hg19) VCF-style: chr1-162745624-G-T.
Other names: c.2039G>T, p.Arg680Leu (NM_001014796.3, NM_001354982.2, NM_001354983.2); short protein forms R680L.
Identifiers: ClinVar variation 3766658 (VCV003766658.2).